The following is an entry in ClinVar:

NM_001128840.3(CACNA1D):c.1379G>T (p.Gly460Val)

Gene: CACNA1D (calcium voltage-gated channel subunit alpha1 D; plus strand). Cytogenetic location: 3p21.1.
Variant type: single nucleotide variant.
Coding change: c.1379G>T on transcript NM_001128840.3 (MANE Select); coding-DNA position 1379, G replaced by T.
Protein change: p.Gly460Val; replaces glycine 460 with valine.
Molecular consequence: missense variant.
Genome position (GRCh38, 1-based): chr3:53,702,799, G>T. VCF-style: chr3-53702799-G-T. GRCh37 (hg19) VCF-style: chr3-53736826-G-T.
Other names: c.1379G>T, p.Gly460Val (NM_000720.4, NM_001128839.3); short protein forms G460V.
Identifiers: ClinVar variation 2755142 (VCV002755142.3), dbSNP rs367786816, ClinGen allele CA353384602.

ClinVar aggregate classification (germline): Uncertain significance (1 of 4 stars; one submission).

gnomAD v4.1: 1 of 1,614,072 alleles (0.000062%); highest among the groups gnomAD compares: Non-Finnish European, 0.000085%; no homozygotes.

Submission:

Labcorp Genetics (formerly Invitae), Labcorp
Classification: Uncertain significance. Last evaluated: 2023-09-05. Review status: criteria provided, single submitter. Criteria: Invitae Variant Classification Sherloc (09022015). Collection method: clinical testing. Allele origin: germline.
Comment: This sequence change replaces glycine, which is neutral and non-polar, with valine, which is neutral and non-polar, at codon 460 of the CACNA1D protein (p.Gly460Val). This variant is not present in population databases (gnomAD no frequency). This variant has not been reported in the literature in individuals affected with CACNA1D-related conditions. An algorithm developed to predict the effect of missense changes on protein structure and function (PolyPhen-2) suggests that this variant is likely to be tolerated. In summary, the available evidence is currently insufficient to determine the role of this variant in disease. Therefore, it has been classified as a Variant of Uncertain Significance.